The following is an entry in ClinVar:

ClinVar aggregate classification (germline): Uncertain significance. Review status: criteria provided, multiple submitters, no conflicts (2 of 4 stars). 2 submissions from 2 submitters: Uncertain significance (2). Last evaluated 2024-08-20.

Allele frequency attached by ClinVar (database versions not stated): ESP Exome Variant Server 0.00017; TOPMed 0.00022; gnomAD 0.00024; ExAC 0.00028; gnomAD exomes 0.00031.
gnomAD v4.1: 537 of 1,534,062 alleles (0.035%); highest among the groups gnomAD compares: Non-Finnish European, 0.04%; 1 homozygote.

Submissions (2):

Ambry Genetics
Classification: Uncertain significance. Last evaluated: 2024-08-20. Review status: criteria provided, single submitter. Criteria: Ambry Variant Classification Scheme 2023. Collection method: clinical testing. Allele origin: germline.

Laboratory for Molecular Medicine, Mass General Brigham Personalized Medicine
Classification: Uncertain significance. Last evaluated: 2016-03-28. Review status: criteria provided, single submitter. Criteria: LMM Criteria. Collection method: clinical testing. Allele origin: germline.
Comment: Variant identified in a genome or exome case(s) and assessed due to predicted null impact of the variant or pathogenic assertions in the literature or databases. Disclaimer: This variant has not undergone full assessment. The following are preliminary notes: Axonemal dynein, but no disease association and no suspicious second variant

NM_001367479.1(DNAH14):c.502C>T (p.Pro168Ser)

Gene: DNAH14 (dynein axonemal heavy chain 14; plus strand). Cytogenetic location: 1q42.12.
Variant type: single nucleotide variant.
Coding change: c.502C>T on transcript NM_001367479.1 (MANE Select); coding-DNA position 502, C replaced by T.
Protein change: p.Pro168Ser; replaces proline 168 with serine.
Molecular consequence: missense variant.
Genome position (GRCh38, 1-based): chr1:224,967,434, C>T. VCF-style: chr1-224967434-C-T. GRCh37 (hg19) VCF-style: chr1-225155136-C-T.
Other names: NM_001373.1:c.502C>T; c.502C>T, p.Pro168Ser (NM_001145154.3, NM_001349911.2, NM_001367481.1 and 1 more transcripts); c.352C>T, p.Pro118Ser (NM_001349912.2); short protein forms P168S, P118S.
Identifiers: ClinVar variation 402668 (VCV000402668.6), dbSNP rs375791690, ClinGen allele CA1415591.